The following is an entry in ClinVar:

ClinVar aggregate classification (germline): Benign. Review status: criteria provided, multiple submitters, no conflicts (2 of 4 stars). 3 submissions from 3 submitters: Benign (2). 1 of the submissions does not count toward it. Last evaluated 2019-12-31.

Conditions:
PTPRS-related disorder. Also called: PTPRS-related condition.

Allele frequency attached by ClinVar (database versions not stated): ExAC 0.00656; 1000 Genomes Project 30x 0.02280; gnomAD exomes 0.00512; TOPMed 0.02355; gnomAD 0.02019 and 0.02165; 1000 Genomes Project 0.02137; ESP Exome Variant Server 0.02468.
gnomAD v4.1: 6,004 of 1,614,086 alleles (0.37%); highest among the groups gnomAD compares: African/African-American, 7.1%; 193 homozygotes.

Submissions (3):

Labcorp Genetics (formerly Invitae), Labcorp
Classification: Benign. Last evaluated: 2019-12-31. Review status: criteria provided, single submitter. Criteria: Invitae Variant Classification Sherloc (09022015). Collection method: clinical testing. Allele origin: germline.

Breakthrough Genomics
Classification: Benign. Review status: criteria provided, single submitter. Criteria: ACMG Guidelines, 2015. Collection method: not provided. Allele origin: germline. Inheritance: Unknown mechanism. Affected: yes.

PreventionGenetics, part of Exact Sciences
Classification: Benign for PTPRS-related condition. Last evaluated: 2019-03-26. Review status: no assertion criteria provided. Collection method: clinical testing. Allele origin: germline. Not counted in ClinVar's aggregate classification.
Comment: This variant is classified as benign based on ACMG/AMP sequence variant interpretation guidelines (Richards et al. 2015 PMID: 25741868, with internal and published modifications).

NM_002850.4(PTPRS):c.3508C>T (p.Leu1170=)

Gene: PTPRS (protein tyrosine phosphatase receptor type S; minus strand). Cytogenetic location: 19p13.3.
Variant type: single nucleotide variant.
Coding change: c.3508C>T on transcript NM_002850.4 (MANE Select); coding-DNA position 3508, C replaced by T.
Protein change: p.Leu1170=; no amino-acid change (leucine 1170 retained).
Molecular consequence: synonymous variant.
Genome position (GRCh38, 1-based): chr19:5,220,301, G>A on the plus strand (C>T on the coding strand, the complement: PTPRS is on the minus strand). VCF-style: chr19-5220301-G-A. GRCh37 (hg19) VCF-style: chr19-5220312-G-A.
Other names: c.2215C>T, p.Leu739= (NM_130853.3); c.3442C>T, p.Leu1148= (NM_130854.3); c.2227C>T, p.Leu743= (NM_130855.3).
Identifiers: ClinVar variation 782618 (VCV000782618.7), dbSNP rs61729762, ClinGen allele CA9109545.